The following is an entry in ClinVar:

ClinVar aggregate classification (germline): Likely pathogenic (1 of 4 stars; one submission).

Conditions:
Intellectual developmental disorder, autosomal recessive 1. Also called: MENTAL RETARDATION, AUTOSOMAL RECESSIVE 1; Intellectual disability, autosomal recessive 1. Identifiers: Orphanet 88616, MedGen C1855304, MONDO:0009580, OMIM 249500.

Allele frequency attached by ClinVar (database versions not stated): gnomAD exomes 0.00001 and below 0.00001; ExAC 0.00001.

Submission:

Greenwood Genetic Center Diagnostic Laboratories, Greenwood Genetic Center
Classification: Likely pathogenic for Intellectual developmental disorder, autosomal recessive 1. Last evaluated: 2022-01-10. Review status: criteria provided, single submitter. Criteria: ACMG Guidelines, 2015. Collection method: clinical testing. Allele origin: germline. Affected: yes.
Comment: PVS1, PM2

NM_003619.4(PRSS12):c.441_442del (p.Trp148fs)

Gene: PRSS12 (serine protease 12; minus strand). Cytogenetic location: 4q26.
Variant type: Deletion.
Coding change: c.441_442del on transcript NM_003619.4 (MANE Select); coding-DNA positions 441 to 442, 2 bases deleted (CT; older notation c.441_442delCT).
Protein change: p.Trp148fs; shifts the reading frame from tryptophan 148.
Molecular consequence: frameshift variant.
Genome position (GRCh38, 1-based): chr4:118,352,279-118,352,280, AG deleted on the plus strand (CT on the coding strand, the reverse complement: PRSS12 is on the minus strand). VCF-style (leftmost placement, unchanged base first): chr4-118352278-CAG-C. GRCh37 (hg19) VCF-style: chr4-119273433-CAG-C.
Other names: short protein forms W148fs.
Identifiers: ClinVar variation 1676513 (VCV001676513.3), dbSNP rs760638778, ClinGen allele CA3055945.
Genomic context (GRCh38, chr4:118,352,278, plus strand): 5'-CCGTGTCTGCAGTCGCAGTAGCCCCAGTCCACCTTGCCACGGGCGTCTCCGTAGAAACAC[CAG>C]GGTCTGCCCGCGCCGTCGGGGCTCCGACAAAAGTTGTGGCGCTGTCCTCGCAGCTGAGCC-3'